The following is an entry in ClinVar:

ClinVar aggregate classification (germline): Likely pathogenic (1 of 4 stars; one submission).

Conditions:
Niemann-Pick disease, type C1. Also called: NIEMANN-PICK DISEASE, VARIANT TYPE C1; NIEMANN-PICK DISEASE WITHOUT SPHINGOMYELINASE DEFICIENCY; NIEMANN-PICK DISEASE, CHRONIC NEURONOPATHIC FORM; NEUROVISCERAL STORAGE DISEASE WITH VERTICAL SUPRANUCLEAR OPHTHALMOPLEGIA; NIEMANN-PICK DISEASE WITH CHOLESTEROL ESTERIFICATION BLOCK. Identifiers: Orphanet 646, MedGen C3179455, MONDO:0009757, OMIM 257220.

Submission:

Myriad Genetics, Inc.
Classification: Likely pathogenic for Niemann-Pick disease, type C1. Last evaluated: 2019-12-27. Review status: criteria provided, single submitter. Criteria: Myriad Women's Health Autosomal Recessive and X-Linked Classification Criteria (2019). Collection method: clinical testing. Allele origin: unknown.
Comment: NM_000271.4(NPC1):c.327T>A(C109*) is expected to be pathogenic in the context of Niemann-Pick disease type C1. This variant is predicted to lead to an abnormal or absent protein product due to the creation of a premature termination codon in NPC1, a gene where loss-of-function variants are known to be pathogenic. Please note: this variant was assessed in the context of healthy population screening.

NM_000271.5(NPC1):c.327T>A (p.Cys109Ter)

Gene: NPC1 (NPC intracellular cholesterol transporter 1; minus strand). Cytogenetic location: 18q11.2.
Variant type: single nucleotide variant.
Coding change: c.327T>A on transcript NM_000271.5 (MANE Select); coding-DNA position 327, T replaced by A.
Protein change: p.Cys109Ter; replaces cysteine 109 with a stop codon.
Molecular consequence: nonsense.
Genome position (GRCh38, 1-based): chr18:23,568,959, A>T on the plus strand (T>A on the coding strand, the complement: NPC1 is on the minus strand). VCF-style: chr18-23568959-A-T. GRCh37 (hg19) VCF-style: chr18-21148923-A-T.
Other names: short protein forms C109*.
Identifiers: ClinVar variation 983842 (VCV000983842.3), dbSNP rs2059164764, ClinGen allele CA401785739.